The following is an entry in ClinVar:

ClinVar aggregate classification (germline): Pathogenic. Review status: criteria provided, multiple submitters, no conflicts (2 of 4 stars). 5 submissions from 5 submitters: Pathogenic (5). Last evaluated 2026-06-01.

Conditions:
Birt-Hogg-Dube syndrome 1 (BHD1). Also called: FIBROFOLLICULOMAS WITH TRICHODISCOMAS AND ACROCHORDONS. Identifiers: Orphanet 122, MedGen CN375946, MONDO:0800445, OMIM 135150.
Hereditary cancer-predisposing syndrome. Also called: Hereditary Cancer Syndrome; Tumor predisposition; Hereditary neoplastic syndrome; Neoplastic Syndromes, Hereditary. Identifiers: Orphanet 140162, MedGen C0027672, MeSH D009386, MONDO:0015356.
Birt-Hogg-Dube syndrome. Also called: Birt Hogg Dubé syndrome. Identifiers: Orphanet 122, MedGen C0346010, MONDO:0800444.

Submissions (5):

Ambry Genetics
Classification: Pathogenic for Hereditary cancer-predisposing syndrome. Last evaluated: 2026-06-01. Review status: criteria provided, single submitter. Criteria: Ambry Variant Classification Scheme 2023. Collection method: clinical testing. Allele origin: germline.
Comment: The p.W260* pathogenic mutation (also known as c.780G>A), located in coding exon 5 of the FLCN gene, results from a G to A substitution at nucleotide position 780. This changes the amino acid from a tryptophan to a stop codon within coding exon 5. This variant is considered to be rare based on population cohorts in the Genome Aggregation Database (gnomAD). This variant was reported in individual(s) with features consistent with Birt-Hogg-Dube syndrome (Ambry internal data). This alteration is expected to result in loss of function by premature protein truncation or nonsense-mediated mRNA decay. As such, this alteration is interpreted as a disease-causing mutation.

Mayo Clinic Laboratories, Mayo Clinic
Classification: Pathogenic. Last evaluated: 2025-08-21. Review status: criteria provided, single submitter. Criteria: ACMG Guidelines, 2015. Collection method: clinical testing. Allele origin: germline. Observed: 1 variant allele.
Comment: PP5, PM2_supporting, PVS1

Myriad Genetics, Inc.
Classification: Pathogenic for Birt-Hogg-Dube syndrome 1. Last evaluated: 2025-05-05. Review status: criteria provided, single submitter. Criteria: Myriad Autosomal Dominant, Autosomal Recessive and X-Linked Classification Criteria (2023). Collection method: clinical testing. Allele origin: unknown.
Comment: This variant is considered pathogenic. This variant creates a termination codon and is predicted to result in premature protein truncation.

Women's Health and Genetics/Laboratory Corporation of America, LabCorp
Classification: Pathogenic for Birt-Hogg-Dube syndrome. Last evaluated: 2023-06-26. Review status: criteria provided, single submitter. Criteria: LabCorp Variant Classification Summary - May 2015. Collection method: clinical testing. Allele origin: germline.
Comment: Variant summary: FLCN c.780G>A (p.Trp260X) results in a premature termination codon, predicted to cause a truncation of the encoded protein or absence of the protein due to nonsense mediated decay, which are commonly known mechanisms for disease. The variant was absent in 243998 control chromosomes in gnonmAD. To our knowledge, no occurrence of c.780G>A in individuals affected with Birt-Hogg-Dube Syndrome and no experimental evidence demonstrating its impact on protein function have been reported. A different nonsense variant, c.779G>A, resulting in the same premature stop codon, was previously reported in a Swiss family affected with Birt-Hogg-Dube Syndrome (Frolich_2008). The following publication has been ascertained in the context of this evaluation (PMID: 18579543). One submitter has cited clinical-significance assessments for this variant to ClinVar after 2014 and has classified the variant as pathogenic. Based on the evidence outlined above, the variant was classified as pathogenic.

Labcorp Genetics (formerly Invitae), Labcorp
Classification: Pathogenic for Birt-Hogg-Dube syndrome. Last evaluated: 2021-05-27. Review status: criteria provided, single submitter. Criteria: Invitae Variant Classification Sherloc (09022015). Collection method: clinical testing. Allele origin: germline.
Comment: For these reasons, this variant has been classified as Pathogenic. This nonsense change has been observed in individual(s) with Birt-Hogg-Dubé syndrome (PMID: 18579543, 22068306). It has also been observed to segregate with disease in related individuals. ClinVar contains an entry for this variant (Variation ID: 428638). This variant is not present in population databases (ExAC no frequency). This sequence change creates a premature translational stop signal (p.Trp260*) in the FLCN gene. It is expected to result in an absent or disrupted protein product. Loss-of-function variants in FLCN are known to be pathogenic (PMID: 15852235).

Literature cited by the submitters: PubMed 18579543 (cited by Women's Health and Genetics/Laboratory Corporation of America, LabCorp and Labcorp Genetics (formerly Invitae), Labcorp); PubMed 22068306 (cited by Labcorp Genetics (formerly Invitae), Labcorp); PubMed 15852235 (cited by Labcorp Genetics (formerly Invitae), Labcorp).

NM_144997.7(FLCN):c.780G>A (p.Trp260Ter)

Gene: FLCN (folliculin; minus strand). Cytogenetic location: 17p11.2.
Variant type: single nucleotide variant.
Coding change: c.780G>A on transcript NM_144997.7 (MANE Select); coding-DNA position 780, G replaced by A.
Protein change: p.Trp260Ter; replaces tryptophan 260 with a stop codon.
Molecular consequence: nonsense.
Genome position (GRCh38, 1-based): chr17:17,221,628, C>T on the plus strand (G>A on the coding strand, the complement: FLCN is on the minus strand). VCF-style: chr17-17221628-C-T. GRCh37 (hg19) VCF-style: chr17-17124942-C-T.
Other names: p.Trp260*; c.780G>A (LRG_325t1); c.834G>A, p.Trp278Ter (NM_001353229.2); c.780G>A, p.Trp260Ter (NM_001353230.2, NM_001353231.2, NM_144606.7); short protein forms W260*, W278*.
Identifiers: ClinVar variation 428638 (VCV000428638.16), dbSNP rs1131690826, ClinGen allele CA398533803.